The following is an entry in ClinVar:

NM_003612.5(SEMA7A):c.1083G>A (p.Pro361=)

Gene: SEMA7A (semaphorin 7A (JohnMiltonHagen blood group); minus strand). Cytogenetic location: 15q24.1.
Variant type: single nucleotide variant.
Coding change: c.1083G>A on transcript NM_003612.5 (MANE Select); coding-DNA position 1083, G replaced by A.
Protein change: p.Pro361=; no amino-acid change (proline 361 retained).
Molecular consequence: synonymous variant.
Genome position (GRCh38, 1-based): chr15:74,414,850, C>T on the plus strand (G>A on the coding strand, the complement: SEMA7A is on the minus strand). VCF-style: chr15-74414850-C-T. GRCh37 (hg19) VCF-style: chr15-74707191-C-T.
Other names: c.1041G>A, p.Pro347= (NM_001146029.3); c.588G>A, p.Pro196= (NM_001146030.3).
Identifiers: ClinVar variation 4998560 (VCV004998560.1).

ClinVar aggregate classification (germline): Likely benign (1 of 4 stars; one submission).

Conditions:
SEMA7A-related disorder. Also called: SEMA7A-related condition.

gnomAD v4.1: 142 of 1,614,146 alleles (0.0088%); highest among the groups gnomAD compares: Admixed American, 0.038%; no homozygotes.

Submission:

PreventionGenetics, part of Exact Sciences
Classification: Likely benign for SEMA7A-related condition. Last evaluated: 2026-05-27. Review status: criteria provided, single submitter. Criteria: ACMG Guidelines, 2015. Collection method: clinical testing. Allele origin: germline.
Comment: This variant is classified as likely benign based on ACMG/AMP sequence variant interpretation guidelines (Richards et al. 2015 PMID: 25741868, with internal and published modifications).